The following is an entry in ClinVar:

ClinVar aggregate classification (germline): Pathogenic (1 of 4 stars; one submission).

Conditions:
Breast-ovarian cancer, familial, susceptibility to, 5 (BROVCA5). Identifiers: MedGen C5830615, MONDO:0957530, OMIM 620442.

Submission:

Juno Genomics, Hangzhou Juno Genomics, Inc
Classification: Pathogenic for Breast-ovarian cancer, familial, susceptibility to, 5. Review status: criteria provided, single submitter. Criteria: ACMG Guidelines, 2015. Collection method: clinical testing. Allele origin: germline.
Comment: Absent from controls (or at extremely low frequency if recessive) in Genome Aggregation Database.;Null variant in a gene where loss of function (LOF) is a known mechanism of disease.;Novel missense change at an amino acid residue where a different missense change determined to be pathogenic has been seen before.

NM_024675.4(PALB2):c.1288_1289del (p.Gln430fs)

Gene: PALB2 (partner and localizer of BRCA2; minus strand). Cytogenetic location: 16p12.2.
Variant type: Deletion.
Coding change: c.1288_1289del on transcript NM_024675.4 (MANE Select); coding-DNA positions 1288 to 1289, 2 bases deleted (CA; older notation c.1288_1289delCA).
Protein change: p.Gln430fs; shifts the reading frame from glutamine 430.
Molecular consequence: frameshift variant. On other transcripts: intron variant (3).
Genome position (GRCh38, 1-based): chr16:23,635,257-23,635,258, TG deleted on the plus strand (CA on the coding strand, the reverse complement: PALB2 is on the minus strand). VCF-style (leftmost placement, unchanged base first): chr16-23635256-CTG-C. GRCh37 (hg19) VCF-style: chr16-23646577-CTG-C.
Other names: c.1288_1289del, p.Gln430fs (NM_001407297.1, NM_001407298.1, NM_001407299.1 and 3 more transcripts); c.403_404del, p.Gln135fs (NM_001407304.1, NM_001407305.1, NM_001407306.1 and 5 more transcripts); c.1228_1229del, p.Gln410fs (NM_001407296.1); c.48+5852_48+5853del (NM_001407314.1); c.-104-4789_-104-4788del (NM_001407313.1, NM_001407312.1); short protein forms Q135fs, Q410fs, Q430fs.
Identifiers: ClinVar variation 5020044 (VCV005020044.2).
Genomic context (GRCh38, chr16:23,635,256, plus strand): 5'-ATTTTTACTTGCATCCTTATTTTTATTTTTAAACCCTTTTTTCTTGACATCCAAATGACT[CTG>C]AATGACAGCCTCCACGGCTACTTTCCTCTGGCAATTGGACATGCTTCGTGTTGTTCTAAC-3'